The following is an entry in ClinVar:

ClinVar aggregate classification (germline): Uncertain significance (1 of 4 stars; one submission).

Conditions:
Wilms tumor 1 (WT1). Also called: Wilms tumor, somatic. Identifiers: Orphanet 654, MedGen CN033288, MONDO:0008679, OMIM 194070.
11p partial monosomy syndrome (WAGR). Also called: WAGR Spectrum Disorder; WAGR syndrome; WAGR Complex; CHROMOSOME 11p13 DELETION SYNDROME. Identifiers: Orphanet 893, MedGen C0206115, MONDO:0008681, OMIM 194072.
Drash syndrome (DDS). Also called: NEPHROPATHY, WILMS TUMOR, AND GENITAL ANOMALIES; WILMS TUMOR AND PSEUDO- OR TRUE HERMAPHRODITISM. Identifiers: Orphanet 220, MedGen C0950121, MONDO:0008682, OMIM 194080.
Frasier syndrome. Identifiers: Orphanet 347, MedGen C0950122, MeSH D052159, MONDO:0007635, OMIM 136680.

Allele frequency attached by ClinVar (database versions not stated): gnomAD exomes below 0.00001.
gnomAD v4.1: 1 of 1,533,060 alleles (0.000065%); highest among the groups gnomAD compares: Non-Finnish European, 0.000087%; no homozygotes.

Submission:

Labcorp Genetics (formerly Invitae), Labcorp
Classification: Uncertain significance for Wilms tumor 1; Drash syndrome; 11p partial monosomy syndrome; Frasier syndrome. Last evaluated: 2022-08-30. Review status: criteria provided, single submitter. Criteria: Invitae Variant Classification Sherloc (09022015). Collection method: clinical testing. Allele origin: germline.
Comment: This variant has not been reported in the literature in individuals affected with WT1-related conditions. This variant is not present in population databases (gnomAD no frequency). This sequence change replaces alanine, which is neutral and non-polar, with serine, which is neutral and polar, at codon 13 of the WT1 protein (p.Ala13Ser). Algorithms developed to predict the effect of missense changes on protein structure and function are either unavailable or do not agree on the potential impact of this missense change (SIFT: "Deleterious"; PolyPhen-2: "Benign"; Align-GVGD: "Class C0"). In summary, the available evidence is currently insufficient to determine the role of this variant in disease. Therefore, it has been classified as a Variant of Uncertain Significance.

NM_024426.6(WT1):c.52G>T (p.Ala18Ser)

Genes: WT1 (WT1 transcription factor; minus strand), LOC107982234 (WT1/WT1-AS bi-directional promoter region; plus strand). Cytogenetic location: 11p13.
Variant type: single nucleotide variant.
Coding change: c.52G>T on transcript NM_024426.6 (MANE Select); coding-DNA position 52, G replaced by T.
Protein change: p.Ala18Ser; replaces alanine 18 with serine.
Molecular consequence: missense variant. On other transcripts: non-coding transcript variant (1).
Genome position (GRCh38, 1-based): chr11:32,435,309, C>A on the plus strand (G>T on the coding strand, the complement: WT1 is on the minus strand). VCF-style: chr11-32435309-C-A. GRCh37 (hg19) VCF-style: chr11-32456855-C-A.
Other names: c.52G>T, p.Ala18Ser (NM_000378.6, NM_001407044.1, NM_001407045.1 and 6 more transcripts); c.37G>T, p.Ala13Ser (NM_024425.2); short protein forms A13S, A18S.
Identifiers: ClinVar variation 1718400 (VCV001718400.4), dbSNP rs1590411684, ClinGen allele CA379966487.